The following is an entry in ClinVar:

ClinVar aggregate classification (germline): Uncertain significance (1 of 4 stars; one submission).

Submission:

GeneDx
Classification: Uncertain significance. Last evaluated: 2023-06-10. Review status: criteria provided, single submitter. Criteria: GeneDx Variant Classification Process June 2021. Collection method: clinical testing. Allele origin: germline. Affected: yes.
Comment: Not observed at significant frequency in large population cohorts (gnomAD); In silico analysis supports that this missense variant has a deleterious effect on protein structure/function; Has not been previously published as pathogenic or benign to our knowledge

NM_001005273.3(CHD3):c.578G>T (p.Trp193Leu)

Gene: CHD3 (chromodomain helicase DNA binding protein 3; plus strand). Cytogenetic location: 17p13.1.
Variant type: single nucleotide variant.
Coding change: c.578G>T on transcript NM_001005273.3 (MANE Select); coding-DNA position 578, G replaced by T.
Protein change: p.Trp193Leu; replaces tryptophan 193 with leucine.
Molecular consequence: missense variant.
Genome position (GRCh38, 1-based): chr17:7,893,354, G>T. VCF-style: chr17-7893354-G-T. GRCh37 (hg19) VCF-style: chr17-7796672-G-T.
Other names: c.755G>T, p.Trp252Leu (NM_001005271.3); c.578G>T, p.Trp193Leu (NM_005852.4); short protein forms W193L, W252L.
Identifiers: ClinVar variation 3359790 (VCV003359790.1).
Genomic context (GRCh38, chr17:7,893,354, plus strand): 5'-TTGCTAAGAAGAATCCTAAGATCCCAATGTCTAAGATGATGACCATCCTTGGGGCCAAAT[G>T]GAGAGAGTTCAGTGCCAACAACCCCTTCAAGGGGTCAGCAGCTGCTGTGGCGGCGGCAGC-3'
Protein context (NP_001005273.1, residues 183-203): SKMMTILGAK[Trp193Leu]REFSANNPFK